The following is an entry in ClinVar:

NM_001267550.2(TTN):c.8494G>C (p.Val2832Leu)

Gene: TTN (titin; minus strand). Cytogenetic location: 2q31.2.
Variant type: single nucleotide variant.
Coding change: c.8494G>C on transcript NM_001267550.2 (MANE Select); coding-DNA position 8494, G replaced by C.
Protein change: p.Val2832Leu; replaces valine 2832 with leucine.
Molecular consequence: missense variant.
Genome position (GRCh38, 1-based): chr2:178,770,207, C>G on the plus strand (G>C on the coding strand, the complement: TTN is on the minus strand). VCF-style: chr2-178770207-C-G. GRCh37 (hg19) VCF-style: chr2-179634934-C-G.
Other names: c.8494G>C, p.Val2832Leu (NM_001256850.1, NM_133378.4, NM_133379.5); c.8356G>C, p.Val2786Leu (NM_003319.4, NM_133432.3, NM_133437.4); c.8494G>C (NM_001267550.1); short protein forms V2832L, V2786L.
Identifiers: ClinVar variation 404678 (VCV000404678.12), dbSNP rs375549179, ClinGen allele CA2004585.

ClinVar aggregate classification (germline): Uncertain significance. Review status: criteria provided, multiple submitters, no conflicts (2 of 4 stars). 7 submissions from 7 submitters: Uncertain significance (7). Last evaluated 2026-01-26.

Conditions:
TTN-related disorder. Also called: TTN-related disorders; TTN-related condition; TTN-related disease.
Autosomal recessive limb-girdle muscular dystrophy type 2J (LGMDR10). Also called: Limb-girdle muscular dystrophy, type 2J; MUSCULAR DYSTROPHY, LIMB-GIRDLE, AUTOSOMAL RECESSIVE 10. Identifiers: Orphanet 140922, MedGen C1837342, MONDO:0012127, OMIM 608807.
Dilated cardiomyopathy 1G (CMD1G). Identifiers: Orphanet 154, MedGen C1858763, MONDO:0011400, OMIM 604145.
Early-onset myopathy with fatal cardiomyopathy (CMYO5). Also called: Salih Myopathy; CONGENITAL MYOPATHY 5 WITH CARDIOMYOPATHY. Identifiers: Orphanet 289377, MedGen C2673677, MONDO:0012714, OMIM 611705. Disease mechanism: loss of function.
Hypertrophic cardiomyopathy 9. Also called: Familial hypertrophic cardiomyopathy 9. Identifiers: MedGen C1861065, MONDO:0013412, OMIM 613765.
Myopathy, myofibrillar, 9, with early respiratory failure (MFM9). Also called: Hereditary myopathy with early respiratory failure; MYOPATHY, PROXIMAL, WITH EARLY RESPIRATORY MUSCLE INVOLVEMENT; EDSTROM MYOPATHY; Myopathy, distal, with early respiratory failure, autosomal dominant. Identifiers: Orphanet 178464, Orphanet 34521, MedGen C1863599, MONDO:0011362, OMIM 603689.
Tibial muscular dystrophy (TMD). Also called: UDD MYOPATHY; Tibial muscular dystrophy, tardive; Udd Distal Myopathy – Tibial Muscular Dystrophy. Identifiers: Orphanet 609, MedGen C1838244, MONDO:0010870, OMIM 600334.
Cardiomyopathy (CMYO). Also called: Cardiomyopathies. Identifiers: Orphanet 167848, MedGen C0878544, MONDO:0004994, HP:0001638. Inheritance: Various modes of inheritance.

Allele frequency attached by ClinVar (database versions not stated): ExAC 0.00001; gnomAD exomes 0.00001 and 0.00015; gnomAD 0.00004; TOPMed 0.00006; ESP Exome Variant Server 0.00015.
gnomAD v4.1: 217 of 1,614,034 alleles (0.013%); highest among the groups gnomAD compares: Non-Finnish European, 0.018%; no homozygotes.

Submissions (7):

PreventionGenetics, part of Exact Sciences
Classification: Uncertain significance for TTN-related condition. Last evaluated: 2026-01-26. Review status: criteria provided, single submitter. Criteria: ACMG Guidelines, 2015. Collection method: clinical testing. Allele origin: germline.
Comment: The TTN c.8494G>C variant is predicted to result in the amino acid substitution p.Val2832Leu. To our knowledge, this variant has not been reported in the literature. This variant is reported in 0.0040% of alleles in individuals of African descent in gnomAD. At this time, the clinical significance of this variant is uncertain due to the absence of conclusive functional and genetic evidence.

ARUP Laboratories, Molecular Genetics and Genomics, ARUP Laboratories
Classification: Uncertain significance. Last evaluated: 2025-04-24. Review status: criteria provided, single submitter. Criteria: ARUP Molecular Germline Variant Investigation Process 2024. Collection method: clinical testing. Allele origin: germline.
Comment: The TTN c.8494G>C; p.Val2832Leu variant is rare in the general population (<0.2% allele frequency in the Genome Aggregation Database) and has not been reported in the medical literature in association with dilated cardiomyopathy (DCM) or other TTN-related disease. The clinical relevance of rare missense variants in this gene, which are identified on average once per individual sequenced in affected populations (Herman 2012), is not well understood. While the clinical significance of such variants is considered uncertain, evidence suggests that the vast majority of missense variants do not contribute to the clinical outcome of DCM (Begay 2015). Given the available evidence, the clinical significance of the p.Val2832Leu variant cannot be determined with certainty. References: Begay RL et al. Role of Titin Missense Variants in Dilated Cardiomyopathy. J Am Heart Assoc. 2015 Nov 13;4(11). PMID: 26567375. Herman DS et al. Truncations of titin causing dilated cardiomyopathy. N Engl J Med. 2012 Feb 16;366(7):619-28. PMID: 22335739. Linke WA and Hamdani N. Gigantic business: titin properties and function through thick and thin. Circ Res 2014; 114(6): 1052-1068. PMID: 24625729.

GeneDx
Classification: Uncertain significance. Last evaluated: 2022-12-23. Review status: criteria provided, single submitter. Criteria: GeneDx Variant Classification Process June 2021. Collection method: clinical testing. Allele origin: germline. Affected: yes.
Comment: Has not been previously published as pathogenic or benign to our knowledge; Not observed at significant frequency in large population cohorts (gnomAD); Missense variant in a gene in which most reported pathogenic variants are truncating/loss of function; Located in a region of TTN within the I-band in which the majority of loss of function variants are significantly associated with autosomal dominant titinopathies (Deo et al., 2016; Schafer et al., 2017); This variant is associated with the following publications: (PMID: 23975875)

Revvity Omics, Revvity
Classification: Uncertain significance. Last evaluated: 2022-03-14. Review status: criteria provided, single submitter. Criteria: ACMG Guidelines, 2015. Collection method: clinical testing. Allele origin: germline.

Fulgent Genetics
Classification: Uncertain significance for Tibial muscular dystrophy; Myopathy, myofibrillar, 9, with early respiratory failure; Dilated cardiomyopathy 1G; Autosomal recessive limb-girdle muscular dystrophy type 2J; Early-onset myopathy with fatal cardiomyopathy; Hypertrophic cardiomyopathy 9. Last evaluated: 2021-07-21. Review status: criteria provided, single submitter. Criteria: ACMG Guidelines, 2015. Collection method: clinical testing. Allele origin: unknown.

CHEO Genetics Diagnostic Laboratory, Children's Hospital of Eastern Ontario
Classification: Uncertain significance for Cardiomyopathy. Last evaluated: 2021-05-26. Review status: criteria provided, single submitter. Criteria: ACMG Guidelines, 2015. Collection method: clinical testing. Allele origin: germline.

Labcorp Genetics (formerly Invitae), Labcorp
Classification: Uncertain significance for Dilated cardiomyopathy 1G; Autosomal recessive limb-girdle muscular dystrophy type 2J. Last evaluated: 2018-01-07. Review status: criteria provided, single submitter. Criteria: Invitae Variant Classification Sherloc (09022015). Collection method: clinical testing. Allele origin: germline.